The following is an entry in ClinVar:

NM_020549.5(CHAT):c.2004C>G (p.Cys668Trp)

Gene: CHAT (choline O-acetyltransferase; plus strand). Cytogenetic location: 10q11.23.
Variant type: single nucleotide variant.
Coding change: c.2004C>G on transcript NM_020549.5 (MANE Select); coding-DNA position 2004, C replaced by G.
Protein change: p.Cys668Trp; replaces cysteine 668 with tryptophan.
Molecular consequence: missense variant.
Genome position (GRCh38, 1-based): chr10:49,664,803, C>G. VCF-style: chr10-49664803-C-G. GRCh37 (hg19) VCF-style: chr10-50872849-C-G.
Other names: c.1650C>G, p.Cys550Trp (NM_001142929.2, NM_001142934.2, NM_020984.4 and 2 more transcripts); c.1758C>G, p.Cys586Trp (NM_001142933.2); short protein forms C550W, C668W, C586W.
Identifiers: ClinVar variation 576439 (VCV000576439.8), dbSNP rs1156904329, ClinGen allele CA376713279.

ClinVar aggregate classification (germline): Uncertain significance (1 of 4 stars; one submission).

Conditions:
Familial infantile myasthenia (CMS6). Also called: MYASTHENIC SYNDROME, CONGENITAL, 6, PRESYNAPTIC; Congenital myasthenic syndrome type 6; MYASTHENIC SYNDROME, PRESYNAPTIC, CONGENITAL, ASSOCIATED WITH EPISODIC APNEA. Identifiers: Orphanet 590, MedGen C0393929, MONDO:0009689, OMIM 254210.

Allele frequency attached by ClinVar (database versions not stated): gnomAD 0.00001; TOPMed 0.00001.
gnomAD v4.1: 1 of 1,614,094 alleles (0.000062%); highest among the groups gnomAD compares: African/African-American, 0.0013%; no homozygotes.

Submission:

Labcorp Genetics (formerly Invitae), Labcorp
Classification: Uncertain significance for Familial infantile myasthenia. Last evaluated: 2022-03-03. Review status: criteria provided, single submitter. Criteria: Invitae Variant Classification Sherloc (09022015). Collection method: clinical testing. Allele origin: germline.
Comment: Algorithms developed to predict the effect of missense changes on protein structure and function are either unavailable or do not agree on the potential impact of this missense change (SIFT: "Deleterious"; PolyPhen-2: "Probably Damaging"; Align-GVGD: "Class C0"). In summary, the available evidence is currently insufficient to determine the role of this variant in disease. Therefore, it has been classified as a Variant of Uncertain Significance. This variant is not present in population databases (gnomAD no frequency). This sequence change replaces cysteine, which is neutral and slightly polar, with tryptophan, which is neutral and slightly polar, at codon 668 of the CHAT protein (p.Cys668Trp). This variant has not been reported in the literature in individuals affected with CHAT-related conditions. ClinVar contains an entry for this variant (Variation ID: 576439).